The following is an entry in ClinVar:

NM_001199397.3(NEK1):c.3570A>C (p.Glu1190Asp)

Gene: NEK1 (NIMA related kinase 1; minus strand). Cytogenetic location: 4q33.
Variant type: single nucleotide variant.
Coding change: c.3570A>C on transcript NM_001199397.3 (MANE Select); coding-DNA position 3570, A replaced by C.
Protein change: p.Glu1190Asp; replaces glutamic acid 1190 with aspartic acid.
Molecular consequence: missense variant. On other transcripts: non-coding transcript variant (1).
Genome position (GRCh38, 1-based): chr4:169,401,665, T>G on the plus strand (A>C on the coding strand, the complement: NEK1 is on the minus strand). VCF-style: chr4-169401665-T-G. GRCh37 (hg19) VCF-style: chr4-170322816-T-G.
Other names: c.3438A>C, p.Glu1146Asp (NM_001199398.3); c.3279A>C, p.Glu1093Asp (NM_001199399.3); c.3354A>C, p.Glu1118Asp (NM_001199400.3); c.3570A>C, p.Glu1190Asp (NM_001374418.1); c.3486A>C, p.Glu1162Asp (NM_001374419.1, NM_012224.4); c.3435A>C, p.Glu1145Asp (NM_001374420.1); c.3087A>C, p.Glu1029Asp (NM_001374421.1); c.3393A>C, p.Glu1131Asp (NM_001440620.1); and 5 more; short protein forms E1029D, E1087D, E1162D, E911D, E1059D, E1118D, E1145D, E1190D.
Identifiers: ClinVar variation 4744144 (VCV004744144.1).

ClinVar aggregate classification (germline): Uncertain significance (1 of 4 stars; one submission).

Conditions:
Short-rib thoracic dysplasia 6 with or without polydactyly (SRTD6). Also called: Majewski Syndrome; SHORT RIB-POLYDACTYLY SYNDROME, TYPE IIA; SHORT-RIB THORACIC DYSPLASIA 6 WITH POLYDACTYLY; SHORT-RIB THORACIC DYSPLASIA 6 WITHOUT POLYDACTYLY; POLYDACTYLY WITH NEONATAL CHONDRODYSTROPHY, TYPE II. Identifiers: MedGen C0024507, MONDO:0009894, OMIM 263520.

gnomAD v4.1: 1 of 1,613,596 alleles (0.000062%); highest among the groups gnomAD compares: Non-Finnish European, 0.000085%; no homozygotes.

Submission:

Labcorp Genetics (formerly Invitae), Labcorp
Classification: Uncertain significance for Short-rib thoracic dysplasia 6 with or without polydactyly. Last evaluated: 2025-04-17. Review status: criteria provided, single submitter. Criteria: Invitae Variant Classification Sherloc (09022015). Collection method: clinical testing. Allele origin: germline.
Comment: This sequence change replaces glutamic acid, which is acidic and polar, with aspartic acid, which is acidic and polar, at codon 1162 of the NEK1 protein (p.Glu1162Asp). This variant is not present in population databases (gnomAD no frequency). This variant has not been reported in the literature in individuals affected with NEK1-related conditions. Invitae Evidence Modeling of protein sequence and biophysical properties (such as structural, functional, and spatial information, amino acid conservation, physicochemical variation, residue mobility, and thermodynamic stability) indicates that this missense variant is not expected to disrupt NEK1 protein function with a negative predictive value of 80%. In summary, the available evidence is currently insufficient to determine the role of this variant in disease. Therefore, it has been classified as a Variant of Uncertain Significance.